The following is an entry in ClinVar:

ClinVar aggregate classification (germline): Likely benign (1 of 4 stars; one submission).

Submission:

Institute of Human Genetics, FAU Erlangen, Friedrich-Alexander-Universität Erlangen-Nürnberg
Classification: Likely benign. Last evaluated: 2023-06-01. Review status: criteria provided, single submitter. Criteria: Hauer et al. (Genet Med. 2018). Collection method: clinical testing. Allele origin: germline. Inheritance: Unknown mechanism. Affected: yes. Observed: 2 variant alleles.
Comment: This variant has been identified by standard clinical testing.

NM_001378418.1(TCF20):c.1238A>G (p.Gln413Arg)

Gene: TCF20 (transcription factor 20; minus strand). Cytogenetic location: 22q13.2.
Variant type: single nucleotide variant.
Coding change: c.1238A>G on transcript NM_001378418.1 (MANE Select); coding-DNA position 1238, A replaced by G.
Protein change: p.Gln413Arg; replaces glutamine 413 with arginine.
Molecular consequence: missense variant.
Genome position (GRCh38, 1-based): chr22:42,214,068, T>C on the plus strand (A>G on the coding strand, the complement: TCF20 is on the minus strand). VCF-style: chr22-42214068-T-C. GRCh37 (hg19) VCF-style: chr22-42610074-T-C.
Other names: c.1238A>G, p.Gln413Arg (NM_005650.4, NM_181492.3); short protein forms Q413R.
Identifiers: ClinVar variation 2503490 (VCV002503490.1), dbSNP rs2518238330, ClinGen allele CA411791248.